The following is an entry in ClinVar:

NM_001778.4(CD48):c.205T>C (p.Trp69Arg)

Gene: CD48 (CD48 molecule; minus strand). Cytogenetic location: 1q23.3.
Variant type: single nucleotide variant.
Coding change: c.205T>C on transcript NM_001778.4 (MANE Select); coding-DNA position 205, T replaced by C.
Protein change: p.Trp69Arg; replaces tryptophan 69 with arginine.
Molecular consequence: missense variant.
Genome position (GRCh38, 1-based): chr1:160,685,067, A>G on the plus strand (T>C on the coding strand, the complement: CD48 is on the minus strand). VCF-style: chr1-160685067-A-G. GRCh37 (hg19) VCF-style: chr1-160654857-A-G.
Other names: c.205T>C, p.Trp69Arg (NM_001256030.2); short protein forms W69R.
Identifiers: ClinVar variation 2639505 (VCV002639505.24), dbSNP rs143226582, ClinGen allele CA1201009.
Genomic context (GRCh38, chr1:160,685,067, plus strand): 5'-GATCAAGTCTGACCCTGCCTTTAAATTTGGATTCAAAGTACTTAGATTTTCTGGAATCCC[A>G]TTCTACAATCTTCTGGTCGAAAGTATAAAACCAGGTTAGTTGTTTGTAGTTCTCAGGCAG-3'
Protein context (NP_001769.2, residues 59-79): FYTFDQKIVE[Trp69Arg]DSRKSKYFES

ClinVar aggregate classification (germline): Likely benign (1 of 4 stars; one submission).

Allele frequency attached by ClinVar (database versions not stated): 1000 Genomes Project 30x 0.00219; 1000 Genomes Project 0.00240; gnomAD exomes 0.00025; gnomAD 0.00051; ExAC 0.00108.
gnomAD v4.1: 456 of 1,614,252 alleles (0.028%); highest among the groups gnomAD compares: East Asian, 0.93%; 4 homozygotes.

Submission:

CeGaT Center for Human Genetics Tuebingen
Classification: Likely benign. Last evaluated: 2022-08-01. Review status: criteria provided, single submitter. Criteria: CeGaT Center For Human Genetics Tuebingen Variant Classification Criteria Version 2. Collection method: clinical testing. Allele origin: germline. Affected: yes. Observed: 1 variant allele.
Comment: CD48: BP4, BS2